The following is an entry in ClinVar:

ClinVar aggregate classification (germline): Uncertain significance (1 of 4 stars; one submission).

Conditions:
Joubert syndrome 23 (JBTS23). Identifiers: Orphanet 475, MedGen C4084822, MONDO:0014664, OMIM 616490.
Short-rib thoracic dysplasia 14 with polydactyly (SRTD14). Identifiers: Orphanet 397715, MedGen C4225286, MONDO:0014688, OMIM 616546.

Submission:

Labcorp Genetics (formerly Invitae), Labcorp
Classification: Uncertain significance for Joubert syndrome 23; Short-rib thoracic dysplasia 14 with polydactyly. Last evaluated: 2022-08-22. Review status: criteria provided, single submitter. Criteria: Invitae Variant Classification Sherloc (09022015). Collection method: clinical testing. Allele origin: germline.
Comment: This variant, c.952_954del, results in the deletion of 1 amino acid(s) of the KIAA0586 protein (p.Gln318del), but otherwise preserves the integrity of the reading frame. The frequency data for this variant in the population databases is considered unreliable, as metrics indicate poor data quality at this position in the gnomAD database. This variant has not been reported in the literature in individuals affected with KIAA0586-related conditions. Experimental studies and prediction algorithms are not available or were not evaluated, and the functional significance of this variant is currently unknown. In summary, the available evidence is currently insufficient to determine the role of this variant in disease. Therefore, it has been classified as a Variant of Uncertain Significance.

NM_001329943.3(KIAA0586):c.784CAA[3] (p.Gln265del)

Gene: KIAA0586 (KIAA0586; plus strand). Cytogenetic location: 14q23.1.
Variant type: Microsatellite.
Coding change: c.784CAA[3] on transcript NM_001329943.3 (MANE Select); three copies in a row of the 3-base unit CAA starting at c.784; the reference has four copies in a row; one copy, 3 bases deleted.
Protein change: p.Gln265del; deletes glutamine 265.
Molecular consequence: inframe deletion.
Genome position (GRCh38, 1-based): chr14:58,444,161-58,444,163, CAA deleted; deleting any 3 consecutive bases within chr14:58,444,151-58,444,163 gives the same sequence; the position shown is the placement nearest the transcript's 3' end. VCF-style (leftmost placement, unchanged base first): chr14-58444150-TACA-T. GRCh37 (hg19) VCF-style: chr14-58910868-TACA-T.
Other names: c.943CAA[3], p.Gln318del (NM_001244189.2); c.739CAA[3], p.Gln250del (NM_001244190.2); c.529CAA[3], p.Gln180del (NM_001244191.2, NM_001329945.2, NM_001364700.1 and 1 more transcripts); c.652CAA[3], p.Gln221del (NM_001244192.2); c.364CAA[3], p.Gln125del (NM_001244193.2); c.784CAA[3], p.Gln265del (NM_001329944.2, NM_001329946.2, NM_001329947.2 and 1 more transcripts); short protein forms Q125del, Q221del, Q318del, Q180del, Q250del, Q265del.
Identifiers: ClinVar variation 1433730 (VCV001433730.6), dbSNP rs1290912165, ClinGen allele CA614733315.